The following is an entry in ClinVar:

ClinVar aggregate classification (germline): Uncertain significance. Review status: criteria provided, single submitter (1 of 4 stars). 2 submissions from 1 submitter: Uncertain significance (1). 1 of the submissions does not count toward it. Last evaluated 2022-08-24.

Conditions:
Diamond-Blackfan anemia 8 (DBA8). Also called: RPS7-Related Diamond-Blackfan Anemia. Identifiers: Orphanet 124, MedGen C2675511, MONDO:0012939, OMIM 612563.

Submissions (2):

Labcorp Genetics (formerly Invitae), Labcorp
Classification: Uncertain significance for Diamond-Blackfan anemia 8. Last evaluated: 2022-08-24. Review status: criteria provided, single submitter. Criteria: Invitae Variant Classification Sherloc (09022015). Collection method: clinical testing. Allele origin: germline.
Comment: A copy number gain of the genomic region encompassing the full coding sequence of the RPS7 gene has been identified. The boundaries of this event are unknown as they extend beyond the assayed region for this gene and therefore may encompass additional genes. As the precise location of this event is unknown, it may be in tandem or it may be located elsewhere in the genome. This variant has not been reported in the literature in individuals affected with RPS7-related conditions. In summary, the available evidence is currently insufficient to determine the role of this variant in disease. Therefore, it has been classified as a Variant of Uncertain Significance.

Labcorp Genetics (formerly Invitae), Labcorp
Classification: Uncertain significance. Last evaluated: 2021-11-02. Review status: flagged submission. Criteria: Invitae Variant Classification Sherloc (09022015). Collection method: clinical testing. Allele origin: germline. Not counted in ClinVar's aggregate classification.
Comment: A copy number gain of the genomic region encompassing the full coding sequence of the TRAPPC12 gene has been identified. The boundaries of this event are unknown as they extend beyond the assayed region for this gene and therefore may encompass additional genes. As the precise location of this event is unknown, it may be in tandem or it may be located elsewhere in the genome. This variant has not been reported in the literature in individuals affected with TRAPPC12-related conditions. In summary, the available evidence is currently insufficient to determine the role of this variant in disease. Therefore, it has been classified as a Variant of Uncertain Significance.
ClinVar note: Reason: This record appears to be redundant with a more recent record from the same submitter.
ClinVar note: Notes: SCV002138866 appears to be redundant with SCV003794435.

NC_000002.11:g.(?_3391395)_(3691708_?)dup

Genes: ADI1 (acireductone dioxygenase 1; minus strand), COLEC11 (collectin subfamily member 11; plus strand), RNASEH1 (ribonuclease H1; minus strand), RPS7 (ribosomal protein S7; plus strand), TRAPPC12 (trafficking protein particle complex subunit 12; plus strand). Cytogenetic location: 2p25.3.
Variant type: Duplication.
Identifiers: ClinVar variation 1373870 (VCV001373870.5).